The following is an entry in ClinVar:

ClinVar aggregate classification (germline): Likely benign. Review status: criteria provided, single submitter (1 of 4 stars). 2 submissions from 2 submitters: Likely benign (1). 1 of the submissions does not count toward it. Last evaluated 2018-06-21.

Conditions:
UNC45B-related disorder. Also called: UNC45B-related condition.

Allele frequency attached by ClinVar (database versions not stated): ExAC 0.00002; gnomAD 0.00003; TOPMed 0.00006; ESP Exome Variant Server 0.00008.
gnomAD v4.1: 114 of 1,613,614 alleles (0.0071%); highest among the groups gnomAD compares: Non-Finnish European, 0.0086%; no homozygotes.

Submissions (2):

Labcorp Genetics (formerly Invitae), Labcorp
Classification: Likely benign. Last evaluated: 2018-06-21. Review status: criteria provided, single submitter. Criteria: Invitae Variant Classification Sherloc (09022015). Collection method: clinical testing. Allele origin: germline.

PreventionGenetics, part of Exact Sciences
Classification: Likely benign for UNC45B-related condition. Last evaluated: 2019-05-28. Review status: no assertion criteria provided. Collection method: clinical testing. Allele origin: germline. Not counted in ClinVar's aggregate classification.
Comment: This variant is classified as likely benign based on ACMG/AMP sequence variant interpretation guidelines (Richards et al. 2015 PMID: 25741868, with internal and published modifications).

NM_001267052.2(UNC45B):c.318C>T (p.Leu106=)

Gene: UNC45B (unc-45 myosin chaperone B; plus strand). Cytogenetic location: 17q12.
Variant type: single nucleotide variant.
Coding change: c.318C>T on transcript NM_001267052.2 (MANE Select); coding-DNA position 318, C replaced by T.
Protein change: p.Leu106=; no amino-acid change (leucine 106 retained).
Molecular consequence: synonymous variant.
Genome position (GRCh38, 1-based): chr17:35,150,160, C>T. VCF-style: chr17-35150160-C-T. GRCh37 (hg19) VCF-style: chr17-33477179-C-T.
Other names: c.318C>T, p.Leu106= (NM_001033576.2, NM_001308281.1, NM_173167.3).
Identifiers: ClinVar variation 750753 (VCV000750753.5), dbSNP rs367762890, ClinGen allele CA8500757.